The following is an entry in ClinVar:

ClinVar aggregate classification (germline): Uncertain significance (1 of 4 stars; one submission).

Submission:

Women's Health and Genetics/Laboratory Corporation of America, LabCorp
Classification: Uncertain significance. Last evaluated: 2024-07-05. Review status: criteria provided, single submitter. Criteria: LabCorp Variant Classification Summary - May 2015. Collection method: clinical testing. Allele origin: germline.
Comment: Variant summary: JARID2 c.314C>T (p.Ser105Leu) results in a non-conservative amino acid change in the encoded protein sequence. Three of five in-silico tools predict a benign effect of the variant on protein function. The frequency data for this variant in gnomAD is considered unreliable, as metrics indicate poor data quality at this position. To our knowledge, no occurrence of c.314C>T in individuals affected with Developmental Delay With Variable Intellectual Disability And Dysmorphic Facies and no experimental evidence demonstrating its impact on protein function have been reported. No submitters have cited clinical-significance assessments for this variant to ClinVar. Based on the evidence outlined above, the variant was classified as uncertain significance.

NM_004973.4(JARID2):c.314C>T (p.Ser105Leu)

Gene: JARID2 (jumonji and AT-rich interaction domain containing 2; plus strand). Cytogenetic location: 6p22.3.
Variant type: single nucleotide variant.
Coding change: c.314C>T on transcript NM_004973.4 (MANE Select); coding-DNA position 314, C replaced by T.
Protein change: p.Ser105Leu; replaces serine 105 with leucine.
Molecular consequence: missense variant. On other transcripts: 5 prime UTR variant (1).
Genome position (GRCh38, 1-based): chr6:15,410,356, C>T. VCF-style: chr6-15410356-C-T. GRCh37 (hg19) VCF-style: chr6-15410587-C-T.
Other names: c.-203C>T (NM_001267040.1); short protein forms S105L.
Identifiers: ClinVar variation 3339126 (VCV003339126.1).